The following is an entry in ClinVar:

ClinVar aggregate classification (germline): Uncertain significance. Review status: criteria provided, multiple submitters, no conflicts (2 of 4 stars). 3 submissions from 3 submitters: Uncertain significance (3). Last evaluated 2024-09-23.

Conditions:
Inborn genetic diseases. Identifiers: MedGen C0950123, MeSH D030342.
Epilepsy. Also called: Seizure disorder. Identifiers: MedGen C0014544, MeSH D004827, MONDO:0005027.

Allele frequency attached by ClinVar (database versions not stated): ExAC 0.00007; gnomAD exomes 0.00007; ESP Exome Variant Server 0.00008; gnomAD 0.00008 and 0.00009; TOPMed 0.00008.
gnomAD v4.1: 86 of 1,570,414 alleles (0.0055%); highest among the groups gnomAD compares: Non-Finnish European, 0.0057%; no homozygotes.

Submissions (3):

GeneDx
Classification: Uncertain significance. Last evaluated: 2024-09-23. Review status: criteria provided, single submitter. Criteria: GeneDx Variant Classification Process June 2021. Collection method: clinical testing. Allele origin: germline. Affected: yes.
Comment: In silico analysis indicates that this missense variant does not alter protein structure/function; Has not been previously published as pathogenic or benign to our knowledge

Labcorp Genetics (formerly Invitae), Labcorp
Classification: Uncertain significance for Epilepsy. Last evaluated: 2022-07-26. Review status: criteria provided, single submitter. Criteria: Invitae Variant Classification Sherloc (09022015). Collection method: clinical testing. Allele origin: germline.
Comment: This sequence change replaces valine, which is neutral and non-polar, with methionine, which is neutral and non-polar, at codon 480 of the PIGQ protein (p.Val480Met). This variant is present in population databases (rs148537594, gnomAD 0.03%). This variant has not been reported in the literature in individuals affected with PIGQ-related conditions. ClinVar contains an entry for this variant (Variation ID: 575281). Algorithms developed to predict the effect of missense changes on protein structure and function are either unavailable or do not agree on the potential impact of this missense change (SIFT: "Deleterious"; PolyPhen-2: "Probably Damaging"; Align-GVGD: "Class C0"). In summary, the available evidence is currently insufficient to determine the role of this variant in disease. Therefore, it has been classified as a Variant of Uncertain Significance.

Ambry Genetics
Classification: Uncertain significance for Inborn genetic diseases. Last evaluated: 2022-06-10. Review status: criteria provided, single submitter. Criteria: Ambry Variant Classification Scheme 2023. Collection method: clinical testing. Allele origin: germline.

NM_004204.5(PIGQ):c.1438G>A (p.Val480Met)

Gene: PIGQ (phosphatidylinositol glycan anchor biosynthesis class Q; plus strand). Cytogenetic location: 16p13.3.
Variant type: single nucleotide variant.
Coding change: c.1438G>A on transcript NM_004204.5 (MANE Select); coding-DNA position 1438, G replaced by A.
Protein change: p.Val480Met; replaces valine 480 with methionine.
Molecular consequence: missense variant.
Genome position (GRCh38, 1-based): chr16:580,879, G>A. VCF-style: chr16-580879-G-A. GRCh37 (hg19) VCF-style: chr16-630879-G-A.
Other names: c.1438G>A, p.Val480Met (NM_148920.4); c.1438G>A (NM_148920.1); short protein forms V480M.
Identifiers: ClinVar variation 575281 (VCV000575281.8), dbSNP rs148537594, ClinGen allele CA7780298.